The following is an entry in ClinVar:

ClinVar aggregate classification (germline): Benign/Likely benign. Review status: criteria provided, multiple submitters, no conflicts (2 of 4 stars). 3 submissions from 3 submitters: Benign (1); Likely benign (1). 1 of the submissions does not count toward it. Last evaluated 2025-07-21.

Conditions:
ERCC6L2-related disorder. Also called: ERCC6L2-related condition.

Allele frequency attached by ClinVar (database versions not stated): gnomAD 0.00028 and 0.00042; TOPMed 0.00050; gnomAD exomes 0.00102; 1000 Genomes Project 0.00140; 1000 Genomes Project 30x 0.00172; ExAC 0.00243.
gnomAD v4.1: 620 of 1,585,246 alleles (0.039%); highest among the groups gnomAD compares: East Asian, 1.3%; 6 homozygotes.

Submissions (3):

Labcorp Genetics (formerly Invitae), Labcorp
Classification: Benign. Last evaluated: 2025-07-21. Review status: criteria provided, single submitter. Criteria: Invitae Variant Classification Sherloc (09022015). Collection method: clinical testing. Allele origin: germline.

Blueprint Genetics
Classification: Likely benign. Last evaluated: 2024-11-18. Review status: criteria provided, single submitter. Criteria: ACMG Guidelines, 2015. Collection method: clinical testing. Allele origin: germline.

PreventionGenetics, part of Exact Sciences
Classification: Likely benign for ERCC6L2-related condition. Last evaluated: 2024-02-09. Review status: no assertion criteria provided. Collection method: clinical testing. Allele origin: germline. Not counted in ClinVar's aggregate classification.
Comment: This variant is classified as likely benign based on ACMG/AMP sequence variant interpretation guidelines (Richards et al. 2015 PMID: 25741868, with internal and published modifications).

NM_020207.7(ERCC6L2):c.-13T>A

Gene: ERCC6L2 (ERCC excision repair 6 like 2; plus strand). Cytogenetic location: 9q22.32.
Variant type: single nucleotide variant.
Coding change: c.-13T>A on transcript NM_020207.7 (MANE Select); 13 bases upstream of the start codon, T replaced by A.
Molecular consequence: 5 prime UTR variant. On other transcripts: non-coding transcript variant (1).
Genome position (GRCh38, 1-based): chr9:95,876,026, T>A. VCF-style: chr9-95876026-T-A. GRCh37 (hg19) VCF-style: chr9-98638308-T-A.
Other names: c.-13T>A (NM_001010895.4, NM_001375291.1, NM_001375292.1 and 2 more transcripts).
Identifiers: ClinVar variation 731230 (VCV000731230.13), dbSNP rs202222262, ClinGen allele CA5139189.